The following is an entry in ClinVar:

ClinVar aggregate classification (germline): Benign/Likely benign. Review status: criteria provided, multiple submitters, no conflicts (2 of 4 stars). 3 submissions from 3 submitters: Benign (1); Likely benign (1). 1 of the submissions does not count toward it. Last evaluated 2025-12-15.

Conditions:
TUBGCP6-related disorder. Also called: TUBGCP6-related condition.

Allele frequency attached by ClinVar (database versions not stated): gnomAD 0.00001 and 0.00011; TOPMed 0.00003; gnomAD exomes 0.00016 and 0.00031; ExAC 0.00031; 1000 Genomes Project 30x 0.00062; 1000 Genomes Project 0.00080.

Submissions (3):

Labcorp Genetics (formerly Invitae), Labcorp
Classification: Benign. Last evaluated: 2025-12-15. Review status: criteria provided, single submitter. Criteria: Invitae Variant Classification Sherloc (09022015). Collection method: clinical testing. Allele origin: germline.

Blueprint Genetics
Classification: Likely benign. Last evaluated: 2024-07-18. Review status: criteria provided, single submitter. Criteria: ACMG Guidelines, 2015. Collection method: clinical testing. Allele origin: germline.

PreventionGenetics, part of Exact Sciences
Classification: Likely benign for TUBGCP6-related condition. Last evaluated: 2019-09-23. Review status: no assertion criteria provided. Collection method: clinical testing. Allele origin: germline. Not counted in ClinVar's aggregate classification.
Comment: This variant is classified as likely benign based on ACMG/AMP sequence variant interpretation guidelines (Richards et al. 2015 PMID: 25741868, with internal and published modifications).

NM_020461.4(TUBGCP6):c.2361G>A (p.Leu787=)

Gene: TUBGCP6 (tubulin gamma complex component 6; minus strand). Cytogenetic location: 22q13.33.
Variant type: single nucleotide variant.
Coding change: c.2361G>A on transcript NM_020461.4 (MANE Select); coding-DNA position 2361, G replaced by A.
Protein change: p.Leu787=; no amino-acid change (leucine 787 retained).
Molecular consequence: synonymous variant.
Genome position (GRCh38, 1-based): chr22:50,222,502, C>T on the plus strand (G>A on the coding strand, the complement: TUBGCP6 is on the minus strand). VCF-style: chr22-50222502-C-T. GRCh37 (hg19) VCF-style: chr22-50660931-C-T.
Other names: c.2361G>A (NM_020461.3).
Identifiers: ClinVar variation 1599593 (VCV001599593.11), dbSNP rs541224216, ClinGen allele CA10308259.
Genomic context (GRCh38, chr22:50,222,502, plus strand): 5'-CCGCAGACATACCTGAATGTGTTTCTCATCTTCTAAGAGAAAACGAAGCCGTGCACTCTC[C>T]AGTCGGTGCCTCTGGATTCTCCACAGTGCCTTCTGCTCCCGACGAGCTGCCTCTGCAGAG-3'
Protein context (NP_065194.3, residues 777-797): KALWRIQRHR[Leu787=]ESARLRFLLE